The following is an entry in ClinVar:

ClinVar aggregate classification (germline): Benign. Review status: criteria provided, multiple submitters, no conflicts (2 of 4 stars). 3 submissions from 3 submitters: Benign (3). Last evaluated 2018-06-16.

Allele frequency attached by ClinVar (database versions not stated): ESP Exome Variant Server 0.06821; gnomAD 0.07088 and 0.07396; 1000 Genomes Project 0.07129; 1000 Genomes Project 30x 0.07292; TOPMed 0.07667.
gnomAD v4.1: 48,904 of 1,612,116 alleles (3%); highest among the groups gnomAD compares: African/African-American, 19%; 1,959 homozygotes.

Submissions (11):

GeneDx
Classification: Benign. Last evaluated: 2018-06-16. Review status: criteria provided, single submitter. Criteria: GeneDx Variant Classification (06012015). Collection method: clinical testing. Allele origin: germline. Affected: yes.
Comment: This variant is considered likely benign or benign based on one or more of the following criteria: it is a conservative change, it occurs at a poorly conserved position in the protein, it is predicted to be benign by multiple in silico algorithms, and/or has population frequency not consistent with disease.

Breakthrough Genomics
Classification: Benign. Review status: criteria provided, single submitter. Criteria: ACMG Guidelines, 2015. Collection method: not provided. Allele origin: germline. Inheritance: Autosomal recessive inheritance. Affected: yes.

PreventionGenetics, part of Exact Sciences
Classification: Benign. Review status: criteria provided, single submitter. Criteria: ACMG Guidelines, 2015. Collection method: clinical testing. Allele origin: germline.

Dr. Peter K. Rogan Lab, Western University
No classification provided (evidence only). Condition: Acute myeloid leukemia. Review status: no classification provided. Collection method: in vitro. Allele origin: not applicable. Functional consequence: retained intron. Not counted in ClinVar's aggregate classification.

Dr. Peter K. Rogan Lab, Western University
No classification provided (evidence only). Condition: Acute myeloid leukemia. Review status: no classification provided. Collection method: in vitro. Allele origin: not applicable. Functional consequence: retained intron. Not counted in ClinVar's aggregate classification.

Dr. Peter K. Rogan Lab, Western University
No classification provided (evidence only). Condition: Thymoma. Review status: no classification provided. Collection method: in vitro. Allele origin: not applicable. Functional consequence: retained intron. Not counted in ClinVar's aggregate classification.

Dr. Peter K. Rogan Lab, Western University
No classification provided (evidence only). Condition: Thymoma. Review status: no classification provided. Collection method: in vitro. Allele origin: not applicable. Functional consequence: retained intron. Not counted in ClinVar's aggregate classification.

Dr. Peter K. Rogan Lab, Western University
No classification provided (evidence only). Condition: Ovarian serous cystadenocarcinoma. Review status: no classification provided. Collection method: in vitro. Allele origin: not applicable. Functional consequence: retained intron. Not counted in ClinVar's aggregate classification.

Dr. Peter K. Rogan Lab, Western University
No classification provided (evidence only). Condition: Malignant tumor of esophagus. Review status: no classification provided. Collection method: in vitro. Allele origin: not applicable. Functional consequence: retained intron. Not counted in ClinVar's aggregate classification.

Dr. Peter K. Rogan Lab, Western University
No classification provided (evidence only). Condition: Malignant tumor of esophagus. Review status: no classification provided. Collection method: in vitro. Allele origin: not applicable. Functional consequence: retained intron. Not counted in ClinVar's aggregate classification.

Dr. Peter K. Rogan Lab, Western University
No classification provided (evidence only). Condition: Malignant tumor of esophagus. Review status: no classification provided. Collection method: in vitro. Allele origin: not applicable. Functional consequence: retained intron. Not counted in ClinVar's aggregate classification.

NM_001852.4(COL9A2):c.1548+28C>A

Gene: COL9A2 (collagen type IX alpha 2 chain; minus strand). Cytogenetic location: 1p34.2.
Variant type: single nucleotide variant.
Coding change: c.1548+28C>A on transcript NM_001852.4 (MANE Select); 28 bases into the intron after coding-DNA position 1548, C replaced by A.
Molecular consequence: intron variant.
Genome position (GRCh38, 1-based): chr1:40,303,502, G>T on the plus strand (C>A on the coding strand, the complement: COL9A2 is on the minus strand). VCF-style: chr1-40303502-G-T. GRCh37 (hg19) VCF-style: chr1-40769174-G-T.
Identifiers: ClinVar variation 258376 (VCV000258376.4), dbSNP rs76810153, ClinGen allele CA791408.